The following is an entry in ClinVar:

NM_182914.3(SYNE2):c.6173A>G (p.Lys2058Arg)

Gene: SYNE2 (spectrin repeat containing nuclear envelope protein 2; plus strand). Cytogenetic location: 14q23.2.
Variant type: single nucleotide variant.
Coding change: c.6173A>G on transcript NM_182914.3 (MANE Select); coding-DNA position 6173, A replaced by G.
Protein change: p.Lys2058Arg; replaces lysine 2058 with arginine.
Molecular consequence: missense variant.
Genome position (GRCh38, 1-based): chr14:64,025,342, A>G. VCF-style: chr14-64025342-A-G. GRCh37 (hg19) VCF-style: chr14-64492060-A-G.
Other names: c.6173A>G, p.Lys2058Arg (NM_015180.6); short protein forms K2058R.
Identifiers: ClinVar variation 1902052 (VCV001902052.5), dbSNP rs2551146165, ClinGen allele CA389946609.

ClinVar aggregate classification (germline): Uncertain significance (1 of 4 stars; one submission).

Conditions:
Emery-Dreifuss muscular dystrophy 5, autosomal dominant (EDMD5). Also called: EMERY-DREIFUSS MUSCULAR DYSTROPHY 5. Identifiers: Orphanet 261, MedGen C2751805, MONDO:0013072, OMIM 612999.

Allele frequency attached by ClinVar (database versions not stated): gnomAD exomes below 0.00001.
gnomAD v4.1: 1 of 1,614,082 alleles (0.000062%); highest among the groups gnomAD compares: Admixed American, 0.0017%; no homozygotes.

Submission:

Labcorp Genetics (formerly Invitae), Labcorp
Classification: Uncertain significance for Emery-Dreifuss muscular dystrophy 5, autosomal dominant. Last evaluated: 2024-04-11. Review status: criteria provided, single submitter. Criteria: Invitae Variant Classification Sherloc (09022015). Collection method: clinical testing. Allele origin: germline.
Comment: This sequence change replaces lysine, which is basic and polar, with arginine, which is basic and polar, at codon 2058 of the SYNE2 protein (p.Lys2058Arg). This variant is not present in population databases (gnomAD no frequency). This variant has not been reported in the literature in individuals affected with SYNE2-related conditions. ClinVar contains an entry for this variant (Variation ID: 1902052). An algorithm developed to predict the effect of missense changes on protein structure and function (PolyPhen-2) suggests that this variant is likely to be tolerated. In summary, the available evidence is currently insufficient to determine the role of this variant in disease. Therefore, it has been classified as a Variant of Uncertain Significance.